The following is an entry in ClinVar:

NM_012330.4(KAT6B):c.1695T>G (p.Tyr565Ter)

Gene: KAT6B (lysine acetyltransferase 6B; plus strand). Cytogenetic location: 10q22.2.
Variant type: single nucleotide variant.
Coding change: c.1695T>G on transcript NM_012330.4 (MANE Select); coding-DNA position 1695, T replaced by G.
Protein change: p.Tyr565Ter; replaces tyrosine 565 with a stop codon.
Molecular consequence: nonsense. On other transcripts: intron variant (13).
Genome position (GRCh38, 1-based): chr10:74,976,032, T>G. VCF-style: chr10-74976032-T-G. GRCh37 (hg19) VCF-style: chr10-76735790-T-G.
Other names: c.1695T>G, p.Tyr565Ter (NM_001370136.1, NM_001370137.1); c.1117+578T>G (NM_001370139.1, NM_001370140.1, NM_001370141.1 and 3 more transcripts); c.1444+251T>G (NM_001370138.1, NM_001256468.2); c.846+6257T>G (NM_001370133.1); c.193-3192T>G (NM_001370134.1); c.929-1284T>G (NM_001370143.1, NM_001370144.1); c.193-12987T>G (NM_001370135.1); short protein forms Y565*.
Identifiers: ClinVar variation 3602385 (VCV003602385.1).

ClinVar aggregate classification (germline): Uncertain significance (1 of 4 stars; one submission).

gnomAD v4.1: 1 of 1,614,214 alleles (0.000062%); no homozygotes.

Submission:

GeneDx
Classification: Uncertain significance. Last evaluated: 2024-07-26. Review status: criteria provided, single submitter. Criteria: GeneDx Variant Classification Process June 2021. Collection method: clinical testing. Allele origin: germline. Affected: yes.
Comment: Nonsense variant predicted to result in protein truncation or nonsense mediated decay in a gene for which loss of function is a known mechanism of disease; Has not been previously published as pathogenic or benign to our knowledge